The following is an entry in ClinVar:

NM_152564.5(VPS13B):c.2013+4T>C

Gene: VPS13B (vacuolar protein sorting 13 homolog B; plus strand). Cytogenetic location: 8q22.2.
Variant type: single nucleotide variant.
Coding change: c.2013+4T>C on transcript NM_152564.5 (MANE Select); 4 bases into the intron after coding-DNA position 2013, T replaced by C.
Molecular consequence: intron variant.
Genome position (GRCh38, 1-based): chr8:99,148,014, T>C. VCF-style: chr8-99148014-T-C. GRCh37 (hg19) VCF-style: chr8-100160242-T-C.
Other names: c.2013+4T>C (NM_152564.4, NM_017890.5, NM_015243.3).
Identifiers: ClinVar variation 2415861 (VCV002415861.4), dbSNP rs781329635, ClinGen allele CA4822793.
Genomic context (GRCh38, chr8:99,148,014, plus strand): 5'-TCCATGGCTGAATTCAACTTGCTGGACCATTTACTACCTGTCATTATGGGAGAAAAGGTA[T>C]ATTTTGTGATTTGCTATATTTTTTTTCCCTCATATATGGATTTTTTTTTTTTTTTTTGTC-3'

ClinVar aggregate classification (germline): Conflicting classifications of pathogenicity. Review status: criteria provided, conflicting classifications (1 of 4 stars). 2 submissions from 2 submitters: Uncertain significance (1); Likely benign (1). Last evaluated 2025-11-06.

Conditions:
VPS13B-related disorder. Also called: VPS13B-related condition.
Cohen syndrome (COH1). Also called: PEPPER SYNDROME; Cutis verticis gyrata, retinitis pigmentosa, and sensorineural deafness. Identifiers: Orphanet 193, MedGen C0265223, MONDO:0008999, OMIM 216550.

Allele frequency attached by ClinVar (database versions not stated): ExAC 0.00001.

Submissions (2):

PreventionGenetics, part of Exact Sciences
Classification: Likely benign for VPS13B-related condition. Last evaluated: 2025-11-06. Review status: criteria provided, single submitter. Criteria: ACMG Guidelines, 2015. Collection method: clinical testing. Allele origin: germline.
Comment: This variant is classified as likely benign based on ACMG/AMP sequence variant interpretation guidelines (Richards et al. 2015 PMID: 25741868, with internal and published modifications).

Labcorp Genetics (formerly Invitae), Labcorp
Classification: Uncertain significance for Cohen syndrome. Last evaluated: 2021-09-16. Review status: criteria provided, single submitter. Criteria: Invitae Variant Classification Sherloc (09022015). Collection method: clinical testing. Allele origin: germline.
Comment: This sequence change falls in intron 14 of the VPS13B gene. It does not directly change the encoded amino acid sequence of the VPS13B protein, but it affects a nucleotide within the consensus splice site of the intron. This variant is present in population databases (rs781329635, ExAC 0.001%). This variant has not been reported in the literature in individuals with VPS13B-related conditions. Nucleotide substitutions within the consensus splice site are a relatively common cause of aberrant splicing (PMID: 17576681, 9536098). Algorithms developed to predict the effect of sequence changes on RNA splicing suggest that this variant is not likely to affect RNA splicing, but this prediction has not been confirmed by published transcriptional studies. In summary, the available evidence is currently insufficient to determine the role of this variant in disease. Therefore, it has been classified as a Variant of Uncertain Significance.

Literature cited by the submitters: PubMed 17576681 (cited by Labcorp Genetics (formerly Invitae), Labcorp); PubMed 9536098 (cited by Labcorp Genetics (formerly Invitae), Labcorp).